The following is an entry in ClinVar:

ClinVar aggregate classification (germline): Uncertain significance (1 of 4 stars; one submission).

Conditions:
Familial cold autoinflammatory syndrome 3 (FCAS3). Also called: ANTIBODY DEFICIENCY AND IMMUNE DYSREGULATION, PLCG2-ASSOCIATED; FAMILIAL ATYPICAL COLD URTICARIA. Identifiers: Orphanet 300359, MedGen C3280914, MONDO:0013766, OMIM 614468.

Allele frequency attached by ClinVar (database versions not stated): TOPMed 0.00001; gnomAD exomes below 0.00001; ExAC 0.00001.

Submission:

Labcorp Genetics (formerly Invitae), Labcorp
Classification: Uncertain significance for Familial cold autoinflammatory syndrome 3. Last evaluated: 2025-06-05. Review status: criteria provided, single submitter. Criteria: Invitae Variant Classification Sherloc (09022015). Collection method: clinical testing. Allele origin: germline.
Comment: This sequence change replaces threonine, which is neutral and polar, with methionine, which is neutral and non-polar, at codon 375 of the PLCG2 protein (p.Thr375Met). This variant is not present in population databases (gnomAD no frequency). This variant has not been reported in the literature in individuals affected with PLCG2-related conditions. ClinVar contains an entry for this variant (Variation ID: 2718438). An algorithm developed to predict the effect of missense changes on protein structure and function (PolyPhen-2) suggests that this variant is likely to be disruptive. In summary, the available evidence is currently insufficient to determine the role of this variant in disease. Therefore, it has been classified as a Variant of Uncertain Significance.

NM_002661.5(PLCG2):c.1124C>T (p.Thr375Met)

Gene: PLCG2 (phospholipase C gamma 2; plus strand). Cytogenetic location: 16q23.3.
Variant type: single nucleotide variant.
Coding change: c.1124C>T on transcript NM_002661.5 (MANE Select); coding-DNA position 1124, C replaced by T.
Protein change: p.Thr375Met; replaces threonine 375 with methionine.
Molecular consequence: missense variant.
Genome position (GRCh38, 1-based): chr16:81,895,858, C>T. VCF-style: chr16-81895858-C-T. GRCh37 (hg19) VCF-style: chr16-81929463-C-T.
Other names: c.1124C>T, p.Thr375Met (NM_001425749.1, NM_001425750.1, NM_001425751.1); short protein forms T375M.
Identifiers: ClinVar variation 2718438 (VCV002718438.3), dbSNP rs767619179, ClinGen allele CA8193608.